The following is an entry in ClinVar:

NM_054012.4(ASS1):c.174+1G>A

Gene: ASS1 (argininosuccinate synthase 1; plus strand). Cytogenetic location: 9q34.11.
Variant type: single nucleotide variant.
Coding change: c.174+1G>A on transcript NM_054012.4 (MANE Select); the canonical splice donor site of the intron after coding-DNA position 174, G replaced by A.
Molecular consequence: splice donor variant.
Genome position (GRCh38, 1-based): chr9:130,454,374, G>A. VCF-style: chr9-130454374-G-A. GRCh37 (hg19) VCF-style: chr9-133329761-G-A.
Other names: c.174+1G>A (NM_000050.4).
Identifiers: ClinVar variation 1457481 (VCV001457481.10), dbSNP rs748264993, ClinGen allele CA200604753.

ClinVar aggregate classification (germline): Pathogenic/Likely pathogenic. Review status: criteria provided, multiple submitters, no conflicts (2 of 4 stars). 3 submissions from 3 submitters: Pathogenic (2); Likely pathogenic (1). Last evaluated 2024-08-19.

Conditions:
Citrullinemia. Identifiers: Orphanet 187, MedGen C0175683, MONDO:0015991.
Citrullinemia type I (CTNL1). Also called: argininosuccinate synthetase deficiency; ASS DEFICIENCY. Identifiers: Orphanet 247525, MedGen C4721769, MONDO:0008988, OMIM 215700.

Allele frequency attached by ClinVar (database versions not stated): TOPMed below 0.00001; gnomAD 0.00001.
gnomAD v4.1: 3 of 1,613,524 alleles (0.00019%); highest among the groups gnomAD compares: Non-Finnish European, 0.00017%; no homozygotes.

Submissions (3):

Natera, Inc.
Classification: Likely pathogenic for Citrullinemia type I. Last evaluated: 2024-08-19. Review status: criteria provided, single submitter. Criteria: Natera Variant Classification Schema (03/2026). Collection method: clinical testing. Allele origin: germline.
Comment: The c.174+1G>A variant in ASS1 is a canonical splice donor site variant predicted to affect pre-mRNA splicing, which may result in an abnormal transcript and altered protein product. This variant may result in a truncated or dysfunctional protein product. This variant is rare in the general population with a frequency below the threshold expected for the associated phenotype(s). Another variant at this same site results in an alteration predicted to cause a similar molecular effect has been observed in individual(s) with the associated phenotype. Given the available evidence, this variant is classified as Likely Pathogenic.

Baylor Genetics
Classification: Pathogenic for Citrullinemia type I. Last evaluated: 2023-08-31. Review status: criteria provided, single submitter. Criteria: ACMG Guidelines, 2015. Collection method: clinical testing. Allele origin: unknown.

Labcorp Genetics (formerly Invitae), Labcorp
Classification: Pathogenic for Citrullinemia. Last evaluated: 2020-12-02. Review status: criteria provided, single submitter. Criteria: Invitae Variant Classification Sherloc (09022015). Collection method: clinical testing. Allele origin: germline.
Comment: Studies have shown that this variant is associated with skipping of exon 4 but is expected to preserve the integrity of the reading frame (PMID: 25179242). For these reasons, this variant has been classified as Pathogenic. This variant has been observed in individual(s) with citrullinemia (PMID: 25179242). In at least one individual the data is consistent with the variant being in trans (on the opposite chromosome) from a pathogenic variant. This variant is not present in population databases (ExAC no frequency). This sequence change affects a donor splice site in intron 4 of the ASS1 gene. RNA analysis indicates that this variant induces altered splicing and likely results in a shortened protein product.

Literature cited by the submitters: PubMed 25179242 (cited by Labcorp Genetics (formerly Invitae), Labcorp).